The following is an entry in ClinVar:

ClinVar aggregate classification (germline): Uncertain significance (1 of 4 stars; one submission).

Submission:

GeneDx
Classification: Uncertain significance. Last evaluated: 2026-10-08. Review status: criteria provided, single submitter. Criteria: GeneDx Variant Classification Process June 2021. Collection method: clinical testing. Allele origin: germline.
Comment: Not observed at significant frequency in large population cohorts (gnomAD); In silico analysis supports that this missense variant has a deleterious effect on protein structure/function; Has not been previously published as pathogenic or benign to our knowledge

NM_001190737.2(NFIB):c.650T>G (p.Val217Gly)

Gene: NFIB (nuclear factor I B; minus strand). Cytogenetic location: 9p23.
Variant type: single nucleotide variant.
Coding change: c.650T>G on transcript NM_001190737.2 (MANE Select); coding-DNA position 650, T replaced by G.
Protein change: p.Val217Gly; replaces valine 217 with glycine.
Molecular consequence: missense variant. On other transcripts: non-coding transcript variant (4), 5 prime UTR variant (1).
Genome position (GRCh38, 1-based): chr9:14,155,860, A>C on the plus strand (T>G on the coding strand, the complement: NFIB is on the minus strand). VCF-style: chr9-14155860-A-C. GRCh37 (hg19) VCF-style: chr9-14155859-A-C.
Other names: c.623T>G, p.Val208Gly (NM_001369465.1, NM_001369467.1, NM_001369476.1); c.638T>G, p.Val213Gly (NM_001369466.1, NM_001369472.1, NM_001369473.1 and 2 more transcripts); c.716T>G, p.Val239Gly (NM_001369468.1, NM_001369458.1, NM_001369459.1 and 1 more transcripts); c.506T>G, p.Val169Gly (NM_001369469.1); c.413T>G, p.Val138Gly (NM_001369470.1, NM_001369478.1); c.650T>G, p.Val217Gly (NM_001369471.1, NM_001429577.1, NM_005596.3 and 2 more transcripts); c.635T>G, p.Val212Gly (NM_001369474.1); c.425T>G, p.Val142Gly (NM_001369475.1); and 4 more; short protein forms V138G, V142G, V169G, V199G, V208G, V212G, V213G, V217G.
Identifiers: ClinVar variation 3360933 (VCV003360933.2).
Genomic context (GRCh38, chr9:14,155,860, plus strand): 5'-AGTAGTAACAAAACAATTTACTTACTTCTGGATACTCTTACAAGTTCTGATACATTGAAG[A>C]CTCCAGATTTTACAAAACTATCCTCAAGGTAACCTGAAAATAAATATTAAAGGAAAAATG-3'
Protein context (NP_001177666.1, residues 207-227): YLEDSFVKSG[Val217Gly]FNVSELVRVS